The following is an entry in ClinVar:

ClinVar aggregate classification (germline): Uncertain significance (1 of 4 stars; one submission).

gnomAD v4.1: 10 of 1,210,728 alleles (0.00083%); highest among the groups gnomAD compares: East Asian, 0.027%; no homozygotes.

Submission:

Labcorp Genetics (formerly Invitae), Labcorp
Classification: Uncertain significance. Last evaluated: 2024-12-23. Review status: criteria provided, single submitter. Criteria: Invitae Variant Classification Sherloc (09022015). Collection method: clinical testing. Allele origin: germline.
Comment: This sequence change replaces leucine, which is neutral and non-polar, with valine, which is neutral and non-polar, at codon 456 of the CFP protein (p.Leu456Val). This variant is present in population databases (rs747581281, gnomAD 0.05%). This missense change has been observed in individual(s) with infantile-onset inflammatory bowel disease (PMID: 30199474). An algorithm developed to predict the effect of missense changes on protein structure and function (PolyPhen-2) suggests that this variant is likely to be disruptive. In summary, the available evidence is currently insufficient to determine the role of this variant in disease. Therefore, it has been classified as a Variant of Uncertain Significance.

Literature cited by the submitters: PubMed 30199474.

NM_001145252.3(CFP):c.1366C>G (p.Leu456Val)

Gene: CFP (complement factor properdin; minus strand). Cytogenetic location: Xp11.23.
Variant type: single nucleotide variant.
Coding change: c.1366C>G on transcript NM_001145252.3 (MANE Select); coding-DNA position 1366, C replaced by G.
Protein change: p.Leu456Val; replaces leucine 456 with valine.
Molecular consequence: missense variant.
Genome position (GRCh38, 1-based): chrX:47,624,319, G>C on the plus strand (C>G on the coding strand, the complement: CFP is on the minus strand). VCF-style: chrX-47624319-G-C. GRCh37 (hg19) VCF-style: chrX-47483718-G-C.
Other names: c.1366C>G, p.Leu456Val (NM_002621.2); short protein forms L456V.
Identifiers: ClinVar variation 3709142 (VCV003709142.2).